The following continues an entry in ClinVar:

NM_001130987.2(DYSF):c.5830C>T (p.Arg1944Ter)

Gene: DYSF. ClinVar aggregate classification (germline): Pathogenic. Pathogenic (1).

Submissions 11 to 18 of 18:

Women's Health and Genetics/Laboratory Corporation of America, LabCorp
Classification: Pathogenic for Autosomal recessive limb-girdle muscular dystrophy. Last evaluated: 2023-01-16. Review status: criteria provided, single submitter. Criteria: LabCorp Variant Classification Summary - May 2015. Collection method: clinical testing. Allele origin: germline. Not counted in ClinVar's aggregate classification.
Comment: Variant summary: DYSF c.5713C>T (p.Arg1905X) results in a premature termination codon, predicted to cause a truncation of the encoded protein or absence of the protein due to nonsense mediated decay, which are commonly known mechanisms for disease. Truncations downstream of this position have been classified as pathogenic within ClinVar (e.g. c.5938A>T [p.Lys1980Ter], c.5953_5956del [p.Gln1985fs]). The variant allele was found at a frequency of 1.2e-05 in 251484 control chromosomes (gnomAD). c.5713C>T has been reported in the literature as a biallelic genotype in multiple individuals affected with Limb-Girdle Muscular Dystrophy or Miyoshi Myopathy (e.g. Vilchez_2005, Park_2012, Ankala_2014, Izumi_2015). These data indicate that the variant is very likely to be associated with disease. Seven ClinVar submitters have assessed the variant since 2014: all have classified the variant as pathogenic. Based on the evidence outlined above, the variant was classified as pathogenic.

Blueprint Genetics
Classification: Pathogenic for DYSF-related disorders. Last evaluated: 2022-04-07. Review status: criteria provided, single submitter. Criteria: ACMG Guidelines, 2015. Collection method: clinical testing. Allele origin: germline. Affected: yes. Observed: 3 variant alleles. Not counted in ClinVar's aggregate classification.

Eurofins Ntd Llc (ga)
Classification: Pathogenic. Last evaluated: 2015-09-22. Review status: criteria provided, single submitter. Criteria: EGL Classification Definitions 2015. Collection method: clinical testing. Allele origin: germline. Observed: 4 variant alleles, 4 heterozygotes. Not counted in ClinVar's aggregate classification.

Counsyl
Classification: Pathogenic for Autosomal recessive limb-girdle muscular dystrophy type 2B. Last evaluated: 2017-04-21. Review status: no assertion criteria provided. Collection method: clinical testing. Allele origin: unknown. Not counted in ClinVar's aggregate classification.

OMIM
Classification: Pathogenic for MIYOSHI MUSCULAR DYSTROPHY 1. Last evaluated: 2005-08-01. Review status: no assertion criteria provided. Collection method: literature only. Allele origin: germline. Not counted in ClinVar's aggregate classification.

OMIM
Classification: Pathogenic for MYOPATHY, DISTAL, WITH ANTERIOR TIBIAL ONSET. Last evaluated: 2005-08-01. Review status: no assertion criteria provided. Collection method: literature only. Allele origin: germline. Not counted in ClinVar's aggregate classification.

OMIM
Classification: Pathogenic for MUSCULAR DYSTROPHY, LIMB-GIRDLE, AUTOSOMAL RECESSIVE 2. Last evaluated: 2005-08-01. Review status: no assertion criteria provided. Collection method: literature only. Allele origin: germline. Not counted in ClinVar's aggregate classification.

GeneReviews
No classification provided. Condition: Miyoshi muscular dystrophy 1. Review status: no classification provided. Collection method: literature only. Allele origin: germline. Not counted in ClinVar's aggregate classification.
Comment: Founder variant in Spain

Literature cited by the submitters: PubMed 17698709 (cited by Labcorp Genetics (formerly Invitae), Labcorp and Athena Diagnostics); PubMed 20301480 (cited by Labcorp Genetics (formerly Invitae), Labcorp); PubMed 16087766 (cited by 7 submitters); PubMed 27066573 (cited by 3 submitters); PubMed 36580222 (cited by Natera, Inc.); PubMed 17070050 (cited by Athena Diagnostics); PubMed 16010686 (cited by Athena Diagnostics); PubMed 18853459 (cited by Athena Diagnostics); PubMed 20544924 (cited by Athena Diagnostics); PubMed 22297152 (cited by Athena Diagnostics and Women's Health and Genetics/Laboratory Corporation of America, LabCorp); PubMed 26916285 (cited by Athena Diagnostics); PubMed 24488599 (cited by Athena Diagnostics and Women's Health and Genetics/Laboratory Corporation of America, LabCorp); PubMed 20558759 (cited by Athena Diagnostics and Counsyl); PubMed 27602406 (cited by Athena Diagnostics).